The following is an entry in ClinVar:

NM_012388.4(BLOC1S6):c.315T>G (p.Phe105Leu)

Gene: BLOC1S6 (biogenesis of lysosomal organelles complex 1 subunit 6; plus strand). Cytogenetic location: 15q21.1.
Variant type: single nucleotide variant.
Coding change: c.315T>G on transcript NM_012388.4 (MANE Select); coding-DNA position 315, T replaced by G.
Protein change: p.Phe105Leu; replaces phenylalanine 105 with leucine.
Molecular consequence: missense variant. On other transcripts: non-coding transcript variant (9).
Genome position (GRCh38, 1-based): chr15:45,605,430, T>G. VCF-style: chr15-45605430-T-G. GRCh37 (hg19) VCF-style: chr15-45897628-T-G.
Other names: c.315T>G (NM_012388.2); c.330T>G, p.Phe110Leu (NM_001311255.1); c.242T>G, p.Leu81Trp (NM_001311256.1); short protein forms F105L, L81W, F110L.
Identifiers: ClinVar variation 1041663 (VCV001041663.7), dbSNP rs759539185, ClinGen allele CA7544343.
Genomic context (GRCh38, chr15:45,605,430, plus strand): 5'-TCATTTTGATATTTTAGTCTATTTTAACTTGACTTTTCATTTATTTTTCCATGTTAAGTT[T>G]GCTGAGGCTAAACACTATCATGCCAAGTTGGTGAATATAAGAAAAGAGATGCTGATGCTT-3'
Protein context (NP_036520.1, residues 95-115): CHSMLDINAL[Phe105Leu]AEAKHYHAKL

ClinVar aggregate classification (germline): Uncertain significance. Review status: criteria provided, multiple submitters, no conflicts (2 of 4 stars). 2 submissions from 2 submitters: Uncertain significance (2). Last evaluated 2023-06-07.

Conditions:
Inborn genetic diseases. Identifiers: MedGen C0950123, MeSH D030342.
Hermansky-Pudlak syndrome 9 (HPS9). Identifiers: Orphanet 280663, Orphanet 79430, MedGen C3280026, MONDO:0013606, OMIM 614171.

Allele frequency attached by ClinVar (database versions not stated): gnomAD exomes 0.00001 and 0.00006; TOPMed 0.00001; gnomAD 0.00003; ExAC 0.00007.
gnomAD v4.1: 15 of 1,607,964 alleles (0.00093%); highest among the groups gnomAD compares: East Asian, 0.022%; 1 homozygote.

Submissions (2):

Ambry Genetics
Classification: Uncertain significance for Inborn genetic diseases. Last evaluated: 2023-06-07. Review status: criteria provided, single submitter. Criteria: Ambry Variant Classification Scheme 2023. Collection method: clinical testing. Allele origin: germline.

Labcorp Genetics (formerly Invitae), Labcorp
Classification: Uncertain significance for Hermansky-Pudlak syndrome 9. Last evaluated: 2021-08-26. Review status: criteria provided, single submitter. Criteria: Invitae Variant Classification Sherloc (09022015). Collection method: clinical testing. Allele origin: germline.
Comment: This sequence change replaces phenylalanine with leucine at codon 105 of the BLOC1S6 protein (p.Phe105Leu). The phenylalanine residue is highly conserved and there is a small physicochemical difference between phenylalanine and leucine. This variant is present in population databases (rs759539185, ExAC 0.08%). This variant has not been reported in the literature in individuals affected with BLOC1S6-related conditions. Algorithms developed to predict the effect of missense changes on protein structure and function are either unavailable or do not agree on the potential impact of this missense change (SIFT: "Deleterious"; PolyPhen-2: "Possibly Damaging"; Align-GVGD: "Class C15"). In summary, the available evidence is currently insufficient to determine the role of this variant in disease. Therefore, it has been classified as a Variant of Uncertain Significance.